The following is an entry in ClinVar:

ClinVar aggregate classification (germline): Uncertain significance (1 of 4 stars; one submission).

Conditions:
Genitopatellar syndrome (GTPTS). Also called: Genitopatellar syndrome (GPS); ABSENT PATELLAE, SCROTAL HYPOPLASIA, RENAL ANOMALIES, FACIAL DYSMORPHISM, AND MENTAL RETARDATION. Identifiers: Orphanet 85201, MedGen C1853566, MONDO:0011640, OMIM 606170.

gnomAD v4.1: 5 of 1,614,106 alleles (0.00031%); highest among the groups gnomAD compares: South Asian, 0.0055%; no homozygotes.

Submission:

Labcorp Genetics (formerly Invitae), Labcorp
Classification: Uncertain significance for Genitopatellar syndrome. Last evaluated: 2020-10-29. Review status: criteria provided, single submitter. Criteria: Invitae Variant Classification Sherloc (09022015). Collection method: clinical testing. Allele origin: germline.
Comment: In summary, the available evidence is currently insufficient to determine the role of this variant in disease. Therefore, it has been classified as a Variant of Uncertain Significance. Algorithms developed to predict the effect of missense changes on protein structure and function (SIFT, PolyPhen-2, Align-GVGD) all suggest that this variant is likely to be tolerated, but these predictions have not been confirmed by published functional studies and their clinical significance is uncertain. This variant has not been reported in the literature in individuals with KAT6B-related conditions. This variant is not present in population databases (ExAC no frequency). This sequence change replaces phenylalanine with cysteine at codon 625 of the KAT6B protein (p.Phe625Cys). The phenylalanine residue is weakly conserved and there is a large physicochemical difference between phenylalanine and cysteine.

NM_012330.4(KAT6B):c.1874T>G (p.Phe625Cys)

Gene: KAT6B (lysine acetyltransferase 6B; plus strand). Cytogenetic location: 10q22.2.
Variant type: single nucleotide variant.
Coding change: c.1874T>G on transcript NM_012330.4 (MANE Select); coding-DNA position 1874, T replaced by G.
Protein change: p.Phe625Cys; replaces phenylalanine 625 with cysteine.
Molecular consequence: missense variant. On other transcripts: intron variant (13).
Genome position (GRCh38, 1-based): chr10:74,976,211, T>G. VCF-style: chr10-74976211-T-G. GRCh37 (hg19) VCF-style: chr10-76735969-T-G.
Other names: c.1874T>G, p.Phe625Cys (NM_001370136.1, NM_001370137.1); c.1117+757T>G (NM_001370139.1, NM_001370140.1, NM_001370141.1 and 3 more transcripts); c.1444+430T>G (NM_001370138.1, NM_001256468.2); c.846+6436T>G (NM_001370133.1); c.193-3013T>G (NM_001370134.1); c.929-1105T>G (NM_001370143.1, NM_001370144.1); c.193-12808T>G (NM_001370135.1); short protein forms F625C.
Identifiers: ClinVar variation 1385119 (VCV001385119.8), dbSNP rs760605044, ClinGen allele CA377288939.